The following is an entry in ClinVar:

NM_001365276.2(TNXB):c.9745G>T (p.Val3249Leu)

Gene: TNXB (tenascin XB; minus strand). Cytogenetic location: 6p21.33.
Variant type: single nucleotide variant.
Coding change: c.9745G>T on transcript NM_001365276.2 (MANE Select); coding-DNA position 9745, G replaced by T.
Protein change: p.Val3249Leu; replaces valine 3249 with leucine.
Molecular consequence: missense variant.
Genome position (GRCh38, 1-based): chr6:32,049,282, C>A on the plus strand (G>T on the coding strand, the complement: TNXB is on the minus strand). VCF-style: chr6-32049282-C-A. GRCh37 (hg19) VCF-style: chr6-32017059-C-A.
Other names: c.9739G>T, p.Val3247Leu (NM_019105.8); short protein forms V3247L, V3249L.
Identifiers: ClinVar variation 2446957 (VCV002446957.2), dbSNP rs376344484, ClinGen allele CA363537543.

ClinVar aggregate classification (germline): Uncertain significance (1 of 4 stars; one submission).

Conditions:
Cardiovascular phenotype. Identifiers: MedGen CN230736.

Submission:

Ambry Genetics
Classification: Uncertain significance for Cardiovascular phenotype. Last evaluated: 2022-12-06. Review status: criteria provided, single submitter. Criteria: Ambry Variant Classification Scheme 2023. Collection method: clinical testing. Allele origin: germline.
Comment: The p.V3247L variant (also known as c.9739G>T), located in coding exon 27 of the TNXB gene, results from a G to T substitution at nucleotide position 9739. The valine at codon 3247 is replaced by leucine, an amino acid with highly similar properties. This amino acid position is conserved. In addition, this alteration is predicted to be tolerated by in silico analysis. Since supporting evidence is limited at this time, the clinical significance of this alteration remains unclear.